The following is an entry in ClinVar:

ClinVar aggregate classification (germline): Uncertain significance (1 of 4 stars; one submission).

Conditions:
EGFR-related lung cancer (EGFR). Identifiers: MedGen CN130014.

Allele frequency attached by ClinVar (database versions not stated): gnomAD 0.00001.
gnomAD v4.1: 3 of 1,614,080 alleles (0.00019%); highest among the groups gnomAD compares: African/African-American, 0.004%; no homozygotes.

Submission:

Labcorp Genetics (formerly Invitae), Labcorp
Classification: Uncertain significance for EGFR-related lung cancer. Last evaluated: 2025-12-09. Review status: criteria provided, single submitter. Criteria: Invitae Variant Classification Sherloc (09022015). Collection method: clinical testing. Allele origin: germline.
Comment: This sequence change replaces threonine, which is neutral and polar, with serine, which is neutral and polar, at codon 648 of the EGFR protein (p.Thr648Ser). This variant is present in population databases (rs776728879, gnomAD 0.01%). This variant has not been reported in the literature in individuals affected with EGFR-related conditions. ClinVar contains an entry for this variant (Variation ID: 1399977). Invitae Evidence Modeling of protein sequence and biophysical properties (such as structural, functional, and spatial information, amino acid conservation, physicochemical variation, residue mobility, and thermodynamic stability) indicates that this missense variant is not expected to disrupt EGFR protein function with a negative predictive value of 80%. In summary, the available evidence is currently insufficient to determine the role of this variant in disease. Therefore, it has been classified as a Variant of Uncertain Significance.

NM_005228.5(EGFR):c.1943C>G (p.Thr648Ser)

Gene: EGFR (epidermal growth factor receptor; plus strand). Cytogenetic location: 7p11.2.
Variant type: single nucleotide variant.
Coding change: c.1943C>G on transcript NM_005228.5 (MANE Select); coding-DNA position 1943, C replaced by G.
Protein change: p.Thr648Ser; replaces threonine 648 with serine.
Molecular consequence: missense variant.
Genome position (GRCh38, 1-based): chr7:55,173,006, C>G. VCF-style: chr7-55173006-C-G. GRCh37 (hg19) VCF-style: chr7-55240699-C-G.
Other names: c.1808C>G, p.Thr603Ser (NM_001346897.2, NM_001346899.2); c.1943C>G, p.Thr648Ser (NM_001346898.2); c.1784C>G, p.Thr595Ser (NM_001346900.2); c.1142C>G, p.Thr381Ser (NM_001346941.2); short protein forms T381S, T595S, T603S, T648S.
Identifiers: ClinVar variation 1399977 (VCV001399977.6), dbSNP rs776728879, ClinGen allele CA4265919.
Genomic context (GRCh38, chr7:55,173,006, plus strand): 5'-CAACCTCACCCTTCCTTGTTCCTCCACCTCATTCCAGGCCTAAGATCCCGTCCATCGCCA[C>G]TGGGATGGTGGGGGCCCTCCTCTTGCTGCTGGTGGTGGCCCTGGGGATCGGCCTCTTCAT-3'
Protein context (NP_005219.2, residues 638-658): TNGPKIPSIA[Thr648Ser]GMVGALLLLL